The following is an entry in ClinVar:

ClinVar aggregate classification (germline): Uncertain significance (1 of 4 stars; one submission).

gnomAD v4.1: 6 of 1,551,540 alleles (0.00039%); highest among the groups gnomAD compares: Non-Finnish European, 0.00052%; no homozygotes.

Submission:

GeneDx
Classification: Uncertain significance. Last evaluated: 2026-06-10. Review status: criteria provided, single submitter. Criteria: GeneDx Variant Classification Process June 2021. Collection method: clinical testing. Allele origin: germline.
Comment: Not observed at significant frequency in large population cohorts (gnomAD); In silico analysis supports that this missense variant has a deleterious effect on protein structure/function; Has not been previously published as pathogenic or benign to our knowledge

NM_001142966.3(GREB1L):c.5353G>A (p.Ala1785Thr)

Gene: GREB1L (GREB1 like retinoic acid receptor coactivator; plus strand). Cytogenetic location: 18q11.2.
Variant type: single nucleotide variant.
Coding change: c.5353G>A on transcript NM_001142966.3 (MANE Select); coding-DNA position 5353, G replaced by A.
Protein change: p.Ala1785Thr; replaces alanine 1785 with threonine.
Molecular consequence: missense variant.
Genome position (GRCh38, 1-based): chr18:21,518,115, G>A. VCF-style: chr18-21518115-G-A. GRCh37 (hg19) VCF-style: chr18-19098076-G-A.
Other names: c.5482G>A, p.Ala1828Thr (NM_001410867.1); c.5026G>A, p.Ala1676Thr (NM_001410868.1); short protein forms A1676T, A1785T, A1828T.
Identifiers: ClinVar variation 3776549 (VCV003776549.2).